The following is an entry in ClinVar:

NM_080680.3(COL11A2):c.2583+6T>C

Gene: COL11A2 (collagen type XI alpha 2 chain; minus strand). Cytogenetic location: 6p21.32.
Variant type: single nucleotide variant.
Coding change: c.2583+6T>C on transcript NM_080680.3 (MANE Select); 6 bases into the intron after coding-DNA position 2583, T replaced by C.
Molecular consequence: intron variant.
Genome position (GRCh38, 1-based): chr6:33,173,867, A>G on the plus strand (T>C on the coding strand, the complement: COL11A2 is on the minus strand). VCF-style: chr6-33173867-A-G. GRCh37 (hg19) VCF-style: chr6-33141644-A-G.
Other names: c.2262+6T>C (NM_080679.3); c.2325+6T>C (NM_080681.3).
Identifiers: ClinVar variation 1803679 (VCV001803679.3), dbSNP rs1458552401, ClinGen allele CA566698939.
Genomic context (GRCh38, chr6:33,173,867, plus strand): 5'-GGATGTTGAGGGAGAGCTGGGGCTGAGTGGGCAGGGGGCAGTTGGAGCCTTGTAGAGACC[A>G]TTCACCTTAGCTCCAGACTTCCCAGTGGCACCTCGGGGTCCCCGCTGACCCCGTGGACCC-3'

ClinVar aggregate classification (germline): Uncertain significance. Review status: criteria provided, multiple submitters, no conflicts (2 of 4 stars). 2 submissions from 2 submitters: Uncertain significance (2). Last evaluated 2022-06-07.

Allele frequency attached by ClinVar (database versions not stated): gnomAD exomes below 0.00001.
gnomAD v4.1: 2 of 1,613,992 alleles (0.00012%); highest among the groups gnomAD compares: East Asian, 0.0022%; no homozygotes.

Submissions (2):

GeneDx
Classification: Uncertain significance. Last evaluated: 2022-06-07. Review status: criteria provided, single submitter. Criteria: GeneDx Variant Classification Process June 2021. Collection method: clinical testing. Allele origin: germline. Affected: yes.
Comment: Not observed at significant frequency in large population cohorts (gnomAD); In silico analysis supports that this variant does not alter splicing; Has not been previously published as pathogenic or benign to our knowledge

Labcorp Genetics (formerly Invitae), Labcorp
Classification: Uncertain significance. Last evaluated: 2022-05-04. Review status: criteria provided, single submitter. Criteria: Invitae Variant Classification Sherloc (09022015). Collection method: clinical testing. Allele origin: germline.
Comment: This sequence change falls in intron 34 of the COL11A2 gene. It does not directly change the encoded amino acid sequence of the COL11A2 protein. It affects a nucleotide within the consensus splice site. This variant is present in population databases (no rsID available, gnomAD 0.006%). This variant has not been reported in the literature in individuals affected with COL11A2-related conditions. Variants that disrupt the consensus splice site are a relatively common cause of aberrant splicing (PMID: 17576681, 9536098). Algorithms developed to predict the effect of sequence changes on RNA splicing suggest that this variant is not likely to affect RNA splicing. In summary, the available evidence is currently insufficient to determine the role of this variant in disease. Therefore, it has been classified as a Variant of Uncertain Significance.

Literature cited by the submitters: PubMed 17576681 (cited by Labcorp Genetics (formerly Invitae), Labcorp); PubMed 9536098 (cited by Labcorp Genetics (formerly Invitae), Labcorp).